The following is an entry in ClinVar:

ClinVar aggregate classification (germline): Likely pathogenic (1 of 4 stars; one submission).

Submission:

Clinical Genomics Laboratory, Laboratory for Precision Diagnostics, University of Washington
Classification: Likely pathogenic. Last evaluated: 2022-10-10. Review status: criteria provided, single submitter. Criteria: ACMG/ClinGen CNV Guidelines, 2019. Collection method: clinical testing. Allele origin: unknown. Affected: yes. Observed: 1 variant allele.
Comment: This heterozygous deletion that is approximately 516 Kb in size is located within the IL1RAPL1 gene, with breakpoints in introns 2 and 3, resulting in loss of exon 3 (NM_014271.4). This exon 3 deletion is out-of-frame and is predicted to result in loss of protein function from the involved copy of the gene. Loss of function IL1RAPL1 variants are associated with a spectrum of neurologic disorders that includes autism spectrum disorder with or without intellectual disability of varying severity (PMID:3561664, PMID:18801879, PMID:21933724, PMID:2530508). XY individuals are more severely affected than XX individuals, and the same pathogenic variant can have variable impact in XX individuals due to X chromosome inactivation (PMID:21933724, PMID:2530508). Deletions of exon 3 have not been seen in control populations to date (Database of Genomic Variants).

Literature cited by the submitters: PubMed 3561664; PubMed 18801879; PubMed 21933724; PubMed 2530508.

GRCh38/hg38 Xp21.3-21.2(chrX:28807853-29323711)x1

Gene: IL1RAPL1 (interleukin 1 receptor accessory protein like 1; plus strand). Cytogenetic location: Xp21.3-21.2.
Variant type: copy number loss.
Change: copy number 1 of chrX:28,807,853-29,323,711 (515.9 kb, GRCh38 coordinates, 1-based), cytogenetic band Xp21.3-21.2.
Identifiers: ClinVar variation 4852086 (VCV004852086.1).